The following is an entry in ClinVar:

NM_139159.5(DPP9):c.1526A>G (p.Lys509Arg)

Gene: DPP9 (dipeptidyl peptidase 9; minus strand). Cytogenetic location: 19p13.3.
Variant type: single nucleotide variant.
Coding change: c.1526A>G on transcript NM_139159.5 (MANE Select); coding-DNA position 1526, A replaced by G.
Protein change: p.Lys509Arg; replaces lysine 509 with arginine.
Molecular consequence: missense variant. On other transcripts: non-coding transcript variant (9).
Genome position (GRCh38, 1-based): chr19:4,690,948, T>C on the plus strand (A>G on the coding strand, the complement: DPP9 is on the minus strand). VCF-style: chr19-4690948-T-C. GRCh37 (hg19) VCF-style: chr19-4690960-T-C.
Other names: NC_000019.9:g.4690960T>C; c.1526A>G, p.Lys509Arg (NM_001384611.1, NM_001384612.1, NM_001384613.1 and 10 more transcripts); c.1493A>G, p.Lys498Arg (NM_001384619.1); c.1439A>G, p.Lys480Arg (NM_001384623.1, NM_001384624.1, NM_001384625.1 and 2 more transcripts); c.1286A>G, p.Lys429Arg (NM_001384631.1); short protein forms K498R, K429R, K509R, K480R.
Identifiers: ClinVar variation 3085583 (VCV003085583.4), dbSNP rs201281354, ClinGen allele CA9104001.

ClinVar aggregate classification (germline): Uncertain significance. Review status: criteria provided, multiple submitters, no conflicts (2 of 4 stars). 2 submissions from 2 submitters: Uncertain significance (2). Last evaluated 2025-05-14.

Allele frequency attached by ClinVar (database versions not stated): gnomAD 0.00006; ESP Exome Variant Server 0.00008; TOPMed 0.00009; ExAC 0.00012; gnomAD exomes 0.00019.
gnomAD v4.1: 288 of 1,612,508 alleles (0.018%); highest among the groups gnomAD compares: Non-Finnish European, 0.023%; no homozygotes.

Submissions (5):

Greenwood Genetic Center Diagnostic Laboratories, Greenwood Genetic Center
Classification: Uncertain significance. Last evaluated: 2025-05-14. Review status: criteria provided, single submitter. Criteria: ACMG Guidelines, 2015. Collection method: clinical testing. Allele origin: germline. Affected: yes.
Comment: PM2, BP4

Ambry Genetics
Classification: Uncertain significance. Last evaluated: 2024-11-19. Review status: criteria provided, single submitter. Criteria: Ambry Variant Classification Scheme 2023. Collection method: clinical testing. Allele origin: germline.

Dr. Peter K. Rogan Lab, Western University
No classification provided (evidence only). Condition: Malignant tumor of urinary bladder. Review status: no classification provided. Collection method: in vitro. Allele origin: not applicable. Functional consequence: retained intron. Not counted in ClinVar's aggregate classification.

Dr. Peter K. Rogan Lab, Western University
No classification provided (evidence only). Condition: Clear cell carcinoma of kidney. Review status: no classification provided. Collection method: in vitro. Allele origin: not applicable. Functional consequence: retained intron. Not counted in ClinVar's aggregate classification.

Dr. Peter K. Rogan Lab, Western University
No classification provided (evidence only). Condition: Familial cancer of breast. Review status: no classification provided. Collection method: in vitro. Allele origin: not applicable. Functional consequence: retained intron. Not counted in ClinVar's aggregate classification.